The following is an entry in ClinVar:

ClinVar aggregate classification (germline): Conflicting classifications of pathogenicity. Review status: criteria provided, conflicting classifications (1 of 4 stars). 3 submissions from 3 submitters: Uncertain significance (2); Likely benign (1). Last evaluated 2025-08-29.

Conditions:
Cardiovascular phenotype. Identifiers: MedGen CN230736.
Brugada syndrome 5 (BRGDA5). Identifiers: Orphanet 130, Orphanet 871, MedGen C2748541, MONDO:0013015, OMIM 612838.

Allele frequency attached by ClinVar (database versions not stated): gnomAD 0.00002 and 0.00003; TOPMed 0.00002; gnomAD exomes 0.00003 and 0.00004; ExAC 0.00005.

Submissions (3):

Labcorp Genetics (formerly Invitae), Labcorp
Classification: Uncertain significance for Brugada syndrome 5. Last evaluated: 2025-08-29. Review status: criteria provided, single submitter. Criteria: Invitae Variant Classification Sherloc (09022015). Collection method: clinical testing. Allele origin: germline.
Comment: This sequence change replaces valine, which is neutral and non-polar, with isoleucine, which is neutral and non-polar, at codon 123 of the SCN1B protein (p.Val123Ile). The frequency data for this variant in the population databases is considered unreliable, as metrics indicate poor data quality at this position in the gnomAD database. This variant has not been reported in the literature in individuals affected with SCN1B-related conditions. ClinVar contains an entry for this variant (Variation ID: 190862). An algorithm developed to predict the effect of missense changes on protein structure and function (PolyPhen-2) suggests that this variant is likely to be tolerated. In summary, the available evidence is currently insufficient to determine the role of this variant in disease. Therefore, it has been classified as a Variant of Uncertain Significance.

Ambry Genetics
Classification: Likely benign for Cardiovascular phenotype. Last evaluated: 2024-02-09. Review status: criteria provided, single submitter. Criteria: Ambry Variant Classification Scheme 2023. Collection method: clinical testing. Allele origin: germline.

GeneDx
Classification: Uncertain significance. Last evaluated: 2015-09-16. Review status: criteria provided, single submitter. Criteria: GeneDx Variant Classification (06012015). Collection method: clinical testing. Allele origin: germline. Affected: yes.
Comment: p.Val123Ile (GTC>ATC): c.367 G>A in exon 3 of the SCN1B gene (NM_001037.4). The V123I missense change has not been published as a mutation, nor has it been reported as a benign polymorphism to our knowledge. It was not observed in approximately 6,500 individuals of European and African American ancestry in the NHLBI Exome Sequencing Project, indicating it is not a common benign variant in these populations. V123I alters a conserved position in the SCN1B protein and another missense mutation in this region of the protein has been reported in association with generalized epilepsy with febrile seizures plus (GEFS+) (Wallace et al., 1998). However, the V123I variant is a conservative amino acid substitution, which is not likely to impact secondary protein structure as these residues share similar properties, and in silico analysis is inconsistent in its predictions as to whether or not the variant is damaging to the protein structure/function. Therefore, based on the currently available information, it is unclear whether V123I is a disease-causing mutation or a rare benign variant. The variant is found in CHILD-EPI,EPILEPSY panel(s).

Literature cited by the submitters: PubMed 36413997 (cited by Ambry Genetics).

NM_001037.5(SCN1B):c.367G>A (p.Val123Ile)

Gene: SCN1B (sodium voltage-gated channel beta subunit 1; plus strand). Cytogenetic location: 19q13.11.
Variant type: single nucleotide variant.
Coding change: c.367G>A on transcript NM_001037.5 (MANE Select); coding-DNA position 367, G replaced by A.
Protein change: p.Val123Ile; replaces valine 123 with isoleucine.
Molecular consequence: missense variant.
Genome position (GRCh38, 1-based): chr19:35,033,658, G>A. VCF-style: chr19-35033658-G-A. GRCh37 (hg19) VCF-style: chr19-35524562-G-A.
Other names: p.V123I:GTC>ATC; c.268G>A, p.Val90Ile (NM_001321605.2); c.367G>A, p.Val123Ile (NM_199037.5); short protein forms V123I, V90I.
Identifiers: ClinVar variation 190862 (VCV000190862.10), dbSNP rs754215948, ClinGen allele CA302159.
Genomic context (GRCh38, chr19:35,033,658, plus strand): 5'-GATCTGTCTATCTTCATCACCAATGTCACCTACAACCACTCGGGCGACTACGAGTGCCAC[G>A]TCTACCGCCTGCTCTTCTTCGAAAACTACGAGCACAACACCAGCGTCGTCAAGAAGATCC-3'
Protein context (NP_001028.1, residues 113-133): YNHSGDYECH[Val123Ile]YRLLFFENYE